The following is an entry in ClinVar:

NM_001294.4(CLPTM1):c.135G>A (p.Pro45=)

Gene: CLPTM1 (CLPTM1 regulator of GABA type A receptor forward trafficking; plus strand). Cytogenetic location: 19q13.32.
Variant type: single nucleotide variant.
Coding change: c.135G>A on transcript NM_001294.4 (MANE Select); coding-DNA position 135, G replaced by A.
Protein change: p.Pro45=; no amino-acid change (proline 45 retained).
Molecular consequence: synonymous variant. On other transcripts: 5 prime UTR variant (1).
Genome position (GRCh38, 1-based): chr19:44,962,025, G>A. VCF-style: chr19-44962025-G-A. GRCh37 (hg19) VCF-style: chr19-45465282-G-A.
Other names: c.93G>A, p.Pro31= (NM_001282175.2); c.-172G>A (NM_001282176.2).
Identifiers: ClinVar variation 709303 (VCV000709303.6), dbSNP rs11541462, ClinGen allele CA9506733.
Genomic context (GRCh38, chr19:44,962,025, plus strand): 5'-GACCAGCAATGGCAGCATCGGGAGGGACCCGCCAGCGGAGACCCAGCCTCAGAACCCACC[G>A]GCCCAGCCGGCACCCAATGCCTGGCAGGTCATCAAAGGTGTGCTGTTTAGGTGAGCAGAC-3'
Protein context (NP_001285.1, residues 35-55): PPAETQPQNP[Pro45=]AQPAPNAWQV

ClinVar aggregate classification (germline): Benign. Review status: criteria provided, multiple submitters, no conflicts (2 of 4 stars). 3 submissions from 3 submitters: Benign (2). 1 of the submissions does not count toward it. Last evaluated 2018-04-10.

Conditions:
CLPTM1-related disorder. Also called: CLPTM1-related condition.

Allele frequency attached by ClinVar (database versions not stated): gnomAD exomes 0.00067; ExAC 0.00089; gnomAD 0.00296 and 0.00314; ESP Exome Variant Server 0.00354; TOPMed 0.00354; 1000 Genomes Project 30x 0.00390; 1000 Genomes Project 0.00399.
gnomAD v4.1: 831 of 1,611,266 alleles (0.052%); highest among the groups gnomAD compares: African/African-American, 0.97%; 5 homozygotes.

Submissions (3):

Labcorp Genetics (formerly Invitae), Labcorp
Classification: Benign. Last evaluated: 2018-04-10. Review status: criteria provided, single submitter. Criteria: Invitae Variant Classification Sherloc (09022015). Collection method: clinical testing. Allele origin: germline.

Breakthrough Genomics
Classification: Benign. Review status: criteria provided, single submitter. Criteria: ACMG Guidelines, 2015. Collection method: not provided. Allele origin: germline. Inheritance: Unknown mechanism. Affected: yes.

PreventionGenetics, part of Exact Sciences
Classification: Benign for CLPTM1-related condition. Last evaluated: 2019-04-30. Review status: no assertion criteria provided. Collection method: clinical testing. Allele origin: germline. Not counted in ClinVar's aggregate classification.
Comment: This variant is classified as benign based on ACMG/AMP sequence variant interpretation guidelines (Richards et al. 2015 PMID: 25741868, with internal and published modifications).